The following is an entry in ClinVar:

ClinVar aggregate classification (germline): Likely pathogenic. Review status: criteria provided, multiple submitters, no conflicts (2 of 4 stars). 2 submissions from 2 submitters: Likely pathogenic (2). Last evaluated 2023-01-05.

Conditions:
Fanconi anemia complementation group E (FANCE). Also called: FANCE-Related Fanconi Anemia. Identifiers: Orphanet 84, MedGen C3160739, MONDO:0010953, OMIM 600901.

Allele frequency attached by ClinVar (database versions not stated): gnomAD exomes below 0.00001 and 0.00001; ExAC 0.00002.

Submissions (2):

Baylor Genetics
Classification: Likely pathogenic for Fanconi anemia complementation group E. Last evaluated: 2023-01-05. Review status: criteria provided, single submitter. Criteria: ACMG Guidelines, 2015. Collection method: clinical testing. Allele origin: unknown.

GeneDx
Classification: Likely pathogenic. Last evaluated: 2017-03-12. Review status: criteria provided, single submitter. Criteria: GeneDx Variant Classification (06012015). Collection method: clinical testing. Allele origin: germline. Affected: yes.
Comment: The c.297delG variant in the FANCE gene has not been reported previously as a pathogenic variant nor as a benign variant, to our knowledge. The c.297delG variant causes a frameshift starting with codon Methionine 99, changes this amino acid to an Isoleucine residue, and creates a premature Stop codon at position 4 of the new reading frame, denoted p.Met99IlefsX4. This variant is predicted to cause loss of normal protein function either through protein truncation or nonsense-mediated mRNA decay. The c.297delG variant is not observed at a significant frequency in large population cohorts (Lek et al., 2016; 1000 Genomes Consortium et al., 2015; Exome Variant Server. We interpret c.297delG as a likely pathogenic variant.

NM_021922.3(FANCE):c.297del (p.Met99fs)

Gene: FANCE (FA complementation group E; plus strand). Cytogenetic location: 6p21.31.
Variant type: Deletion.
Coding change: c.297del on transcript NM_021922.3 (MANE Select); coding-DNA position 297, one base deleted (G; older notation c.297delG).
Protein change: p.Met99fs; shifts the reading frame from methionine 99.
Molecular consequence: frameshift variant.
Genome position (GRCh38, 1-based): chr6:35,455,795, G deleted. VCF-style (leftmost placement, unchanged base first): chr6-35455794-TG-T. GRCh37 (hg19) VCF-style: chr6-35423571-TG-T.
Other names: c.297delG (NM_021922.2); short protein forms M99fs.
Identifiers: ClinVar variation 424085 (VCV000424085.3), dbSNP rs754850404, ClinGen allele CA3771374.
Genomic context (GRCh38, chr6:35,455,794, plus strand): 5'-CTCTGCTACCCAGGAAACCACTGTTGCTGCGATTGCCCCGGATATGCCAGAGGAACCTGA[TG>T]TCCCTGCTGATGGCCGTTCGGCCATCGCTGCCGGAAAGTGGGCTCCTCTCTGTGCTGCAG-3'